The following is an entry in ClinVar:

NM_000038.6(APC):c.8118_8119insTC (p.Gly2707fs)

Gene: APC (APC regulator of Wnt signaling pathway; plus strand). Cytogenetic location: 5q22.2.
Variant type: Insertion.
Coding change: c.8118_8119insTC on transcript NM_000038.6 (MANE Select); coding-DNA positions 8118 to 8119, TC inserted.
Protein change: p.Gly2707fs; shifts the reading frame from glycine 2707.
Molecular consequence: frameshift variant. On other transcripts: non-coding transcript variant (2).
Genome position: GRCh38 VCF-style: chr5-112843712-G-GTC. GRCh37 (hg19) VCF-style: chr5-112179409-G-GTC.
Other names: c.8118_8119insTC, p.Gly2707fs (NM_001127510.3, NM_001354895.2, NM_001407450.1); c.8064_8065insTC, p.Gly2689fs (NM_001127511.3); c.8172_8173insTC, p.Gly2725fs (NM_001354896.2, NM_001407447.1, NM_001407448.1 and 1 more transcripts); c.8148_8149insTC, p.Gly2717fs (NM_001354897.2); c.8043_8044insTC, p.Gly2682fs (NM_001354898.2); c.8034_8035insTC, p.Gly2679fs (NM_001354899.2); c.7995_7996insTC, p.Gly2666fs (NM_001354900.2); c.7941_7942insTC, p.Gly2648fs (NM_001354901.2, NM_001407453.1); and 11 more; short protein forms G2323fs, G2424fs, G2547fs, G2578fs, G2581fs, G2606fs, G2616fs, G2624fs.
Identifiers: ClinVar variation 4757017 (VCV004757017.1).

ClinVar aggregate classification (germline): Uncertain significance (1 of 4 stars; one submission).

Conditions:
Hereditary cancer-predisposing syndrome. Also called: Tumor predisposition; Hereditary Cancer Syndrome; Neoplastic Syndromes, Hereditary; Hereditary neoplastic syndrome. Identifiers: Orphanet 140162, MedGen C0027672, MeSH D009386, MONDO:0015356.

Submission:

Color Diagnostics, LLC DBA Color Health
Classification: Uncertain significance for Hereditary cancer-predisposing syndrome. Last evaluated: 2025-06-12. Review status: criteria provided, single submitter. Criteria: ACMG Guidelines, 2015. Collection method: clinical testing. Allele origin: germline.
Comment: This variant inserts 2 nucleotides in exon 16 of the APC gene, creating a frameshift and premature translation stop signal. This mutant transcript is predicted to escape nonsense-mediated decay and be expressed as a truncated protein. To our knowledge, this variant has not been reported in individuals affected with APC-related disorders in the literature. This variant has not been identified in the general population by the Genome Aggregation Database (gnomAD). Loss of APC function is a known mechanism of disease. The available evidence is insufficient to determine the role of this variant in disease conclusively. Therefore, this variant is classified as a Variant of Uncertain Significance.